The following is an entry in ClinVar:

ClinVar aggregate classification (germline): Uncertain significance. Review status: criteria provided, multiple submitters, no conflicts (2 of 4 stars). 4 submissions from 4 submitters: Uncertain significance (3). 1 of the submissions does not count toward it. Last evaluated 2025-09-28.

Conditions:
Inborn genetic diseases. Identifiers: MedGen C0950123, MeSH D030342.
Autosomal recessive limb-girdle muscular dystrophy type 2A (LGMDR1). Also called: Limb-girdle muscular dystrophy, type 2A; Calpainopathy; LEYDEN-MOEBIUS MUSCULAR DYSTROPHY; MUSCULAR DYSTROPHY, PELVOFEMORAL; Muscular dystrophy, limb-girdle, type 2A, Amish. Identifiers: Orphanet 267, MedGen C1869123, MONDO:0009675, OMIM 253600. Disease mechanism: loss of function.

Allele frequency attached by ClinVar (database versions not stated): gnomAD exomes 0.00001 and 0.00002; ExAC 0.00002; gnomAD 0.00002 and 0.00003; TOPMed 0.00002; ESP Exome Variant Server 0.00008.
gnomAD v4.1: 18 of 1,613,896 alleles (0.0011%); highest among the groups gnomAD compares: South Asian, 0.0033%; no homozygotes.

Submissions (4):

Ambry Genetics
Classification: Uncertain significance for Inborn genetic diseases. Last evaluated: 2025-09-28. Review status: criteria provided, single submitter. Criteria: Ambry Variant Classification Scheme 2023. Collection method: clinical testing. Allele origin: germline.

Labcorp Genetics (formerly Invitae), Labcorp
Classification: Uncertain significance for Autosomal recessive limb-girdle muscular dystrophy type 2A. Last evaluated: 2024-11-21. Review status: criteria provided, single submitter. Criteria: Invitae Variant Classification Sherloc (09022015). Collection method: clinical testing. Allele origin: germline.
Comment: This sequence change replaces arginine, which is basic and polar, with histidine, which is basic and polar, at codon 386 of the CAPN3 protein (p.Arg386His). This variant is present in population databases (rs376273996, gnomAD 0.007%). This variant has not been reported in the literature in individuals affected with CAPN3-related conditions. ClinVar contains an entry for this variant (Variation ID: 990244). Invitae Evidence Modeling of protein sequence and biophysical properties (such as structural, functional, and spatial information, amino acid conservation, physicochemical variation, residue mobility, and thermodynamic stability) indicates that this missense variant is not expected to disrupt CAPN3 protein function with a negative predictive value of 80%. In summary, the available evidence is currently insufficient to determine the role of this variant in disease. Therefore, it has been classified as a Variant of Uncertain Significance.

Revvity Omics, Revvity
Classification: Uncertain significance. Last evaluated: 2024-10-18. Review status: criteria provided, single submitter. Criteria: ACMG Guidelines, 2015. Collection method: clinical testing. Allele origin: germline.

Natera, Inc.
Classification: Uncertain significance for Limb-girdle muscular dystrophy type 2A. Last evaluated: 2020-04-17. Review status: no assertion criteria provided. Collection method: clinical testing. Allele origin: germline. Not counted in ClinVar's aggregate classification.

NM_000070.3(CAPN3):c.1157G>A (p.Arg386His)

Gene: CAPN3 (calpain 3; plus strand). Cytogenetic location: 15q15.1.
Variant type: single nucleotide variant.
Coding change: c.1157G>A on transcript NM_000070.3 (MANE Select); coding-DNA position 1157, G replaced by A.
Protein change: p.Arg386His; replaces arginine 386 with histidine.
Molecular consequence: missense variant.
Genome position (GRCh38, 1-based): chr15:42,396,841, G>A. VCF-style: chr15-42396841-G-A. GRCh37 (hg19) VCF-style: chr15-42689039-G-A.
Other names: c.1157G>A (NM_000070.2); c.1157G>A, p.Arg386His (NM_024344.2); c.1013G>A, p.Arg338His (NM_173087.2); short protein forms R338H, R386H.
Identifiers: ClinVar variation 990244 (VCV000990244.8), dbSNP rs376273996, ClinGen allele CA7511263.